The following is an entry in ClinVar:

ClinVar aggregate classification (germline): Pathogenic (1 of 4 stars; one submission).

Conditions:
Hereditary cancer-predisposing syndrome. Also called: Neoplastic Syndromes, Hereditary; Tumor predisposition; Hereditary neoplastic syndrome; Hereditary Cancer Syndrome. Identifiers: Orphanet 140162, MedGen C0027672, MeSH D009386, MONDO:0015356.

Submission:

Ambry Genetics
Classification: Pathogenic for Hereditary cancer-predisposing syndrome. Last evaluated: 2024-01-08. Review status: criteria provided, single submitter. Criteria: Ambry Variant Classification Scheme 2023. Collection method: clinical testing. Allele origin: germline.
Comment: The c.388_405del18insT pathogenic mutation, located in coding exon 2 of the TMEM127 gene, results from the deletion of 18 nucleotides and insertion of one nucleotide causing a translational frameshift with a predicted alternate stop codon (p.A130Yfs*17). This alteration occurs at the 3' terminus of theTMEM127 gene, is not expected to trigger nonsense-mediated mRNA decay, and impacts the last 109 amino acids of the protein. However, premature stop codons are typically deleterious in nature and the impacted region is critical for protein function (Ambry internal data). This variant is considered to be rare based on population cohorts in the Genome Aggregation Database (gnomAD). Based on the supporting evidence, this alteration is interpreted as a disease-causing mutation.

NM_017849.4(TMEM127):c.388_405delinsT (p.Ala130fs)

Gene: TMEM127 (transmembrane protein 127; minus strand). Cytogenetic location: 2q11.2.
Variant type: Indel.
Coding change: c.388_405delinsT on transcript NM_017849.4 (MANE Select); coding-DNA positions 388 to 405, GCCTTCGCCCATATCCTA replaced by T.
Protein change: p.Ala130fs; shifts the reading frame from alanine 130.
Molecular consequence: frameshift variant.
Genome position (GRCh38, 1-based): chr2:96,254,837-96,254,854, TAGGATATGGGCGAAGGC replaced by A on the plus strand (GCCTTCGCCCATATCCTA replaced by T on the coding strand, the reverse complement: TMEM127 is on the minus strand). VCF-style: chr2-96254837-TAGGATATGGGCGAAGGC-A. GRCh37 (hg19) VCF-style: chr2-96920575-TAGGATATGGGCGAAGGC-A.
Other names: c.388_405delinsT, p.Ala130fs (NM_001193304.3); c.136_153delinsT, p.Ala46fs (NM_001407282.1, NM_001407283.1); c.388_405delGCCTTCGCCCATATCCTAinsT (NM_017849.3); short protein forms A130fs, A46fs.
Identifiers: ClinVar variation 3227076 (VCV003227076.1), dbSNP rs2467266041, ClinGen allele CA2825001170.